The following is an entry in ClinVar:

ClinVar aggregate classification (germline): Uncertain significance (1 of 4 stars; one submission).

Conditions:
TH-deficient dopa-responsive dystonia. Also called: DYT-TH; Tyrosine Hydroxylase-Deficient Dopa-Responsive Dystonia; Segawa syndrome, autosomal recessive. Identifiers: Orphanet 101150, MedGen C2673535, MONDO:0011551, OMIM 605407.

Submission:

Labcorp Genetics (formerly Invitae), Labcorp
Classification: Uncertain significance for TH-deficient dopa-responsive dystonia. Last evaluated: 2021-08-27. Review status: criteria provided, single submitter. Criteria: Invitae Variant Classification Sherloc (09022015). Collection method: clinical testing. Allele origin: germline.
Comment: This sequence change replaces glutamine with arginine at codon 243 of the TH protein (p.Gln243Arg). The glutamine residue is moderately conserved and there is a small physicochemical difference between glutamine and arginine. This variant is not present in population databases (ExAC no frequency). This variant has not been reported in the literature in individuals affected with TH-related conditions. Algorithms developed to predict the effect of missense changes on protein structure and function (SIFT, PolyPhen-2, Align-GVGD) all suggest that this variant is likely to be tolerated. In summary, the available evidence is currently insufficient to determine the role of this variant in disease. Therefore, it has been classified as a Variant of Uncertain Significance.

NM_000360.4(TH):c.635A>G (p.Gln212Arg)

Gene: TH (tyrosine hydroxylase; minus strand). Cytogenetic location: 11p15.5.
Variant type: single nucleotide variant.
Coding change: c.635A>G on transcript NM_000360.4 (MANE Select); coding-DNA position 635, A replaced by G.
Protein change: p.Gln212Arg; replaces glutamine 212 with arginine.
Molecular consequence: missense variant.
Genome position (GRCh38, 1-based): chr11:2,167,875, T>C on the plus strand (A>G on the coding strand, the complement: TH is on the minus strand). VCF-style: chr11-2167875-T-C. GRCh37 (hg19) VCF-style: chr11-2189105-T-C.
Other names: c.728A>G, p.Gln243Arg (NM_199292.3); c.716A>G, p.Gln239Arg (NM_199293.3); short protein forms Q239R, Q212R, Q243R.
Identifiers: ClinVar variation 969219 (VCV000969219.7), dbSNP rs1002471580, ClinGen allele CA379127966.